The following continues an entry in ClinVar:

NM_000059.4(BRCA2):c.7558C>T (p.Arg2520Ter)

Gene: BRCA2. ClinVar aggregate classification (germline): Pathogenic. Pathogenic (1).

Submissions 9 to 22 of 42:

Helix
Classification: Pathogenic for Breast-ovarian cancer, familial, susceptibility to, 2. Last evaluated: 2025-06-30. Review status: criteria provided, single submitter. Criteria: ACMG Guidelines, 2015. Collection method: clinical testing. Allele origin: germline. Inheritance: Autosomal dominant inheritance. Not counted in ClinVar's aggregate classification.
Comment: This variant (NM_000059.4:c.7558C>T p.Arg2520Ter) results in the creation of a premature stop codon in the BRCA2 gene. This variant is predicted to result in nonsense-mediated mRNA decay or in the production of a truncated protein, leading to loss-of-function (LOF). LOF variants in the BRCA2 gene are known to be deleterious (PMID: 20104584, 20301575). This variant is also known as 7786C>T. It is present in the non-cancer cohort of the gnomAD population database (PMID: 32461654) at the highest allele frequency in Admixed Americans among continental populations (1/34248 alleles, 0.00292%). This variant has been observed in numerous individuals affected with BRCA2-associated cancers (PMID: 9150154, 21990299, 22009639, 24959366, 33471991). This variant is present in ClinVar (Accession: VCV000052353.92). In conclusion, this variant has been classified as Pathogenic.

Mayo Clinic Laboratories, Mayo Clinic
Classification: Pathogenic. Last evaluated: 2025-06-25. Review status: criteria provided, single submitter. Criteria: ACMG Guidelines, 2015. Collection method: clinical testing. Allele origin: germline. Observed: 2 variant alleles. Not counted in ClinVar's aggregate classification.
Comment: PP4_very_strong, PM5_strong, PVS1

Center for Genomic Medicine, Rigshospitalet, Copenhagen University Hospital
Classification: Pathogenic. Last evaluated: 2025-03-04. Review status: criteria provided, single submitter. Criteria: ACMG Guidelines, 2015. Collection method: clinical testing. Allele origin: germline. Not counted in ClinVar's aggregate classification.

Revvity Omics, Revvity
Classification: Pathogenic. Last evaluated: 2024-12-26. Review status: criteria provided, single submitter. Criteria: ACMG Guidelines, 2015. Collection method: clinical testing. Allele origin: germline. Not counted in ClinVar's aggregate classification.

ARUP Laboratories, Molecular Genetics and Genomics, ARUP Laboratories
Classification: Pathogenic. Last evaluated: 2024-10-07. Review status: criteria provided, single submitter. Criteria: ARUP Molecular Germline Variant Investigation Process 2024. Collection method: clinical testing. Allele origin: germline. Not counted in ClinVar's aggregate classification.
Comment: The BRCA2 c.7558C>T; p.Arg2520Ter variant (rs80358981) has been described in individuals with breast, ovarian, pancreatic, prostate and testicular cancer (Hakansson 1997, Yang 2011, Schultheis 2014). It is reported as pathogenic by multiple laboratories in ClinVar (Variation ID: 52353) and observed in the general population at a low overall frequency of 0.0016% (4/245940 alleles) in the Genome Aggregation Database. This variant introduces a premature termination codon, so it is predicted to result in a truncated protein or mRNA subject to nonsense-mediated decay. Based on available information, this variant is considered pathogenic. References: Hakansson S et al. Moderate frequency of BRCA1 and BRCA2 germ-line mutations in Scandinavian familial breast cancer. Am J Hum Genet. 1997;60(5):1068-78. Schultheis A et al. Squamous Cell Carcinoma of the Pancreas in a Patient with Germline BRCA2 Mutation-Response to Neoadjuvant Radiochemotherapy. Case Rep Oncol Med. 2014;2014:860532. Yang D et al. Association of BRCA1 and BRCA2 mutations with survival, chemotherapy sensitivity, and gene mutator phenotype in patients with ovarian cancer. JAMA. 2011;306(14):1557-65.

Quest Diagnostics Nichols Institute San Juan Capistrano
Classification: Pathogenic. Last evaluated: 2024-10-04. Review status: criteria provided, single submitter. Criteria: Quest Diagnostics criteria. Collection method: clinical testing. Allele origin: unknown. Not counted in ClinVar's aggregate classification.
Comment: The BRCA2 c.7558C>T (p.Arg2520*) variant causes the premature termination of BRCA2 protein synthesis. This variant has been reported in the published literature in multiple individuals with breast and/or ovarian cancer (PMIDs: 36853301 (2023), 36171877 (2022), 35834759 (2022), 28194609 (2017), 25863477 (2015), 22009639 (2012), 21913181 (2012), 21990299 (2011), 14981104 (2004), 9150154 (1997)). This variant has also been reported in individuals with prostate cancer (PMID: 29433453 (2018)), pancreatic cancer (PMID: 24959366 (2014)) and biliary tract cancer (PMID: 29360550 (2018)). The frequency of this variant in the general population, 0.000026 (3/113554 chromosomes (Genome Aggregation Database)), is consistent with pathogenicity. Based on the available information, this variant is classified as pathogenic.

All of Us Research Program, National Institutes of Health
Classification: Pathogenic for BRCA2-related cancer predisposition. Last evaluated: 2024-09-16. Review status: criteria provided, single submitter. Criteria: ACMG Guidelines, 2015. Collection method: clinical testing. Allele origin: germline. Inheritance: Autosomal dominant inheritance. Observed: 7 variant alleles, 7 heterozygotes. Not counted in ClinVar's aggregate classification.
Comment: The c.7558C>T variant in the BRCA2 gene is located on exon 15 and introduces a premature translation termination codon (p.Arg2520*), resulting in an absent or disrupted protein product. The variant has been reported in multiple unrelated individuals with breast/ovarian/prostate cancer (PMID: 34570441, 29534594, 28194609, 35834759, 36853301, 31467961, 36171877). Other frameshift/truncating variants in the same exon have been reviewed as pathogenic (p.Ala2513fs, p.Ala2526fs, ClinVar ID: 52350, 225751). Loss-of-function variants in the BRCA2 gene are known to be pathogenic (PMID: 8988179, 11897832, 29446198). The variant is reported in ClinVar as pathogenic (ID: 52353) and reviewed by the expert panel. The variant is rare in general population according to gnomAD (5/251188 chromosomes). Therefore, the c.7558C>T (p.Arg2520*) variant in the BRCA2 gene has been classified as pathogenic.

This study involves interpretation of variants in research participants for the purpose of population health screening. Participant phenotype was not available at the time of variant classification. Additional details can be found in publication PMID: 35346344, PMCID: PMC8962531

Institute of Human Genetics, FAU Erlangen, Friedrich-Alexander-Universität Erlangen-Nürnberg
Classification: Pathogenic. Last evaluated: 2024-04-30. Review status: criteria provided, single submitter. Criteria: Hauer et al. (Genet Med. 2018). Collection method: clinical testing. Allele origin: germline. Inheritance: Unknown mechanism. Affected: yes. Observed: 1 variant allele. Not counted in ClinVar's aggregate classification.
Comment: This variant has been identified by standard clinical testing.

Color Diagnostics, LLC DBA Color Health
Classification: Pathogenic for Hereditary cancer-predisposing syndrome. Last evaluated: 2024-04-04. Review status: criteria provided, single submitter. Criteria: ACMG Guidelines, 2015. Collection method: clinical testing. Allele origin: germline. Not counted in ClinVar's aggregate classification.
Comment: This variant changes 1 nucleotide in exon 15 of the BRCA2 gene, creating a premature translation stop signal. This variant is expected to result in an absent or non-functional protein product. This variant has been detected in over 30 individuals and families affected with breast and ovarian cancer (PMID: 9150154, 14746861, 15131399, 16284991, 20104584. 21990299, 21913181, 25682074, 25863477, 26295337, 28724667, 28993434, 30287823, 33471991) and 4 unaffected carriers (PMID: 33471991; Leiden Open Variation Database DB-ID BRCA2_001041). This variant has been identified in 5/251188 chromosomes in the general population by the Genome Aggregation Database (gnomAD). Loss of BRCA2 function is a known mechanism of disease. Based on the available evidence, this variant is classified as Pathogenic.

Baylor Genetics
Classification: Pathogenic for Familial cancer of breast. Last evaluated: 2024-03-14. Review status: criteria provided, single submitter. Criteria: ACMG Guidelines, 2015. Collection method: clinical testing. Allele origin: unknown. Not counted in ClinVar's aggregate classification.

CHEO Genetics Diagnostic Laboratory, Children's Hospital of Eastern Ontario
Classification: Pathogenic for Breast and/or ovarian cancer. Last evaluated: 2023-02-03. Review status: criteria provided, single submitter. Criteria: ACMG Guidelines, 2015. Collection method: clinical testing. Allele origin: germline. Not counted in ClinVar's aggregate classification.

Clinical Genetics Laboratory, Skane University Hospital Lund
Classification: Pathogenic. Last evaluated: 2023-01-09. Review status: criteria provided, single submitter. Criteria: ACMG Guidelines, 2015. Collection method: clinical testing. Allele origin: germline. Affected: yes. Not counted in ClinVar's aggregate classification.

Sema4
Classification: Pathogenic for Hereditary cancer-predisposing syndrome. Last evaluated: 2021-09-19. Review status: criteria provided, single submitter. Criteria: Sema4 Curation Guidelines. Collection method: curation. Allele origin: germline. Not counted in ClinVar's aggregate classification.
Comment: The BRCA2 c.7558C>T (p.R2520X) variant has been reported in heterozygosity in numerous individuals with hereditary breast and/or ovarian cancer (PMID: 9150154, 21990299, 22009639, 28831036, 29176636, 29446198, among others). This nonsense variant creates a premature stop codon at residue 2520 of the BRCA2 protein. At this location, this is predicted to cause nonsense-mediated decay and result in an absent protein (loss of function). Loss of function variants in BRCA1 or BRCA2 are known to be pathogenic (PMID: 29446198). This variant was observed in 5/251188 chromosomes in the overall population from the Genome Aggregation Database (PMID: 32461654). This variant has been reported in ClinVar (Variation ID: 52353). Based on the current evidence available, this variant is interpreted as pathogenic.

Institute of Medical Genetics and Applied Genomics, University Hospital Tübingen
Classification: Pathogenic. Last evaluated: 2020-10-23. Review status: criteria provided, single submitter. Criteria: ACMG Guidelines, 2015. Collection method: clinical testing. Allele origin: germline. Inheritance: Autosomal unknown. Affected: yes. Not counted in ClinVar's aggregate classification.